The following is an entry in ClinVar:

NM_000553.6(WRN):c.209G>A (p.Ser70Asn)

Gene: WRN (WRN RecQ like helicase; plus strand). Cytogenetic location: 8p12.
Variant type: single nucleotide variant.
Coding change: c.209G>A on transcript NM_000553.6 (MANE Select); coding-DNA position 209, G replaced by A.
Protein change: p.Ser70Asn; replaces serine 70 with asparagine.
Molecular consequence: missense variant.
Genome position (GRCh38, 1-based): chr8:31,059,265, G>A. VCF-style: chr8-31059265-G-A. GRCh37 (hg19) VCF-style: chr8-30916781-G-A.
Other names: short protein forms S70N.
Identifiers: ClinVar variation 2057934 (VCV002057934.2), dbSNP rs2487270238, ClinGen allele CA370912770.
Genomic context (GRCh38, chr8:31,059,265, plus strand): 5'-CTGGATCCATTGTGTATAGTTACGATGCTAGTGATTGCTCTTTCCTGTCAGAAGATATTA[G>A]GTAAGTGATTTGAATTTCCTGATTTTATTTGAATTTGGACCCTTAGAAGGTACTATTATG-3'
Protein context (NP_000544.2, residues 60-80): SDCSFLSEDI[Ser70Asn]MSLSDGDVVG

ClinVar aggregate classification (germline): Uncertain significance (1 of 4 stars; one submission).

Conditions:
Werner syndrome (WRN). Identifiers: Orphanet 902, MedGen C0043119, MONDO:0010196, OMIM 277700.

gnomAD v4.1: 1 of 1,609,616 alleles (0.000062%); no homozygotes.

Submission:

Labcorp Genetics (formerly Invitae), Labcorp
Classification: Uncertain significance for Werner syndrome. Last evaluated: 2025-08-07. Review status: criteria provided, single submitter. Criteria: Invitae Variant Classification Sherloc (09022015). Collection method: clinical testing. Allele origin: germline.
Comment: This sequence change replaces serine, which is neutral and polar, with asparagine, which is neutral and polar, at codon 70 of the WRN protein (p.Ser70Asn). This variant also falls at the last nucleotide of exon 3, which is part of the consensus splice site for this exon. This variant is not present in population databases (gnomAD no frequency). This variant has not been reported in the literature in individuals affected with WRN-related conditions. ClinVar contains an entry for this variant (Variation ID: 2057934). An algorithm developed to predict the effect of missense changes on protein structure and function (PolyPhen-2) suggests that this variant is likely to be tolerated. Variants that disrupt the consensus splice site are a relatively common cause of aberrant splicing (PMID: 17576681, 9536098). In summary, the available evidence is currently insufficient to determine the role of this variant in disease. Therefore, it has been classified as a Variant of Uncertain Significance.

Literature cited by the submitters: PubMed 17576681; PubMed 9536098.